The following is an entry in ClinVar:

NM_017617.5(NOTCH1):c.2434G>A (p.Gly812Arg)

Gene: NOTCH1 (notch receptor 1; minus strand). Cytogenetic location: 9q34.3.
Variant type: single nucleotide variant.
Coding change: c.2434G>A on transcript NM_017617.5 (MANE Select); coding-DNA position 2434, G replaced by A.
Protein change: p.Gly812Arg; replaces glycine 812 with arginine.
Molecular consequence: missense variant.
Genome position (GRCh38, 1-based): chr9:136,513,054, C>T on the plus strand (G>A on the coding strand, the complement: NOTCH1 is on the minus strand). VCF-style: chr9-136513054-C-T. GRCh37 (hg19) VCF-style: chr9-139407506-C-T.
Other names: c.2434G>A (NM_017617.4); c.2434G>A, p.Gly812Arg (LRG_1122t1); short protein forms G812R.
Identifiers: ClinVar variation 221939 (VCV000221939.20), dbSNP rs201620755, ClinGen allele CA072876.

ClinVar aggregate classification (germline): Conflicting classifications of pathogenicity. Review status: criteria provided, conflicting classifications (1 of 4 stars). 7 submissions from 7 submitters: Uncertain significance (2); Likely benign (4). 1 of the submissions does not count toward it. Last evaluated 2026-01-20.

Conditions:
Familial thoracic aortic aneurysm and aortic dissection (TAAD). Also called: Thoracic aortic aneurysms and dissections. Identifiers: Orphanet 91387, MedGen C4707243, MONDO:0019625.
Adams-Oliver syndrome 5 (AOS5). Identifiers: Orphanet 974, MedGen C4014970, MONDO:0014459, OMIM 616028.
Anophthalmia-microphthalmia syndrome. Also called: Anophthalmia - microphthalmia; Anophthalmia/Microphthalmia. Identifiers: Orphanet 98555, MedGen C5680330, MONDO:0020147.
NOTCH1-related disorder. Also called: NOTCH1-related condition; NOTCH1-related disorders.

Allele frequency attached by ClinVar (database versions not stated): 1000 Genomes Project 30x 0.00016; 1000 Genomes Project 0.00020; TOPMed 0.00025; gnomAD 0.00026 and 0.00029; ESP Exome Variant Server 0.00056.
gnomAD v4.1: 107 of 1,612,328 alleles (0.0066%); highest among the groups gnomAD compares: African/African-American, 0.065%; no homozygotes.

Submissions (7):

Labcorp Genetics (formerly Invitae), Labcorp
Classification: Likely benign for Adams-Oliver syndrome 5. Last evaluated: 2026-01-20. Review status: criteria provided, single submitter. Criteria: Invitae Variant Classification Sherloc (09022015). Collection method: clinical testing. Allele origin: germline.

Blueprint Genetics
Classification: Likely benign. Last evaluated: 2024-06-14. Review status: criteria provided, single submitter. Criteria: ACMG Guidelines, 2015. Collection method: clinical testing. Allele origin: germline.

GeneDx
Classification: Uncertain significance. Last evaluated: 2024-05-22. Review status: criteria provided, single submitter. Criteria: GeneDx Variant Classification Process June 2021. Collection method: clinical testing. Allele origin: germline. Affected: yes.
Comment: Has not been previously published in association with NOTCH1-related cardiac disease or NOTCH1-related Adams Oliver syndrome to our knowledge; In silico analysis supports that this missense variant has a deleterious effect on protein structure/function; This variant is associated with the following publications: (PMID: 26893459)

Revvity Omics, Revvity
Classification: Uncertain significance. Last evaluated: 2021-03-17. Review status: criteria provided, single submitter. Criteria: ACMG Guidelines, 2015. Collection method: clinical testing. Allele origin: germline.

Ambry Genetics
Classification: Likely benign for Familial thoracic aortic aneurysm and aortic dissection. Last evaluated: 2020-08-20. Review status: criteria provided, single submitter. Criteria: Ambry Variant Classification Scheme 2023. Collection method: clinical testing. Allele origin: germline.

Paul Sabatier University EA-4555, Paul Sabatier University
Classification: Likely benign. Last evaluated: 2013-01-01. Review status: criteria provided, single submitter. Criteria: Chassaing et al. (Genome Res. 2016). Collection method: clinical testing. Allele origin: inherited. Affected: yes. Observed: 1 heterozygote.

PreventionGenetics, part of Exact Sciences
Classification: Likely benign for NOTCH1-related condition. Last evaluated: 2022-10-18. Review status: no assertion criteria provided. Collection method: clinical testing. Allele origin: germline. Not counted in ClinVar's aggregate classification.
Comment: This variant is classified as likely benign based on ACMG/AMP sequence variant interpretation guidelines (Richards et al. 2015 PMID: 25741868, with internal and published modifications).

Literature cited by the submitters: PubMed 26893459 (cited by Ambry Genetics).